The following is an entry in ClinVar:

ClinVar aggregate classification (germline): Likely benign. Review status: criteria provided, multiple submitters, no conflicts (2 of 4 stars). 2 submissions from 2 submitters: Likely benign (2). Last evaluated 2023-09-01.

gnomAD v4.1: 2 of 1,545,532 alleles (0.00013%); highest among the groups gnomAD compares: South Asian, 0.0012%; no homozygotes.

Submissions (2):

CeGaT Center for Human Genetics Tuebingen
Classification: Likely benign. Last evaluated: 2023-09-01. Review status: criteria provided, single submitter. Criteria: CeGaT Center For Human Genetics Tuebingen Variant Classification Criteria Version 2. Collection method: clinical testing. Allele origin: germline. Affected: yes. Observed: 1 variant allele.
Comment: EGLN1: BP4, BP7

Ambry Genetics
Classification: Likely benign. Last evaluated: 2023-01-09. Review status: criteria provided, single submitter. Criteria: Ambry Variant Classification Scheme 2023. Collection method: clinical testing. Allele origin: germline.

NM_022051.3(EGLN1):c.147G>A (p.Gln49=)

Gene: EGLN1 (egl-9 family hypoxia inducible factor 1; minus strand). Cytogenetic location: 1q42.2.
Variant type: single nucleotide variant.
Coding change: c.147G>A on transcript NM_022051.3 (MANE Select); coding-DNA position 147, G replaced by A.
Protein change: p.Gln49=; no amino-acid change (glutamine 49 retained).
Molecular consequence: synonymous variant.
Genome position (GRCh38, 1-based): chr1:231,421,742, C>T on the plus strand (G>A on the coding strand, the complement: EGLN1 is on the minus strand). VCF-style: chr1-231421742-C-T. GRCh37 (hg19) VCF-style: chr1-231557488-C-T.
Other names: c.147G>A, p.Gln49= (NM_001377260.1, NM_001377261.1).
Identifiers: ClinVar variation 2497582 (VCV002497582.26), dbSNP rs1281613585, ClinGen allele CA424040730.